The following is an entry in ClinVar:

ClinVar aggregate classification (germline): Likely benign (1 of 4 stars; one submission).

gnomAD v4.1: 116 of 1,608,316 alleles (0.0072%); highest among the groups gnomAD compares: African/African-American, 0.0094%; no homozygotes.

Submission:

CeGaT Center for Human Genetics Tuebingen
Classification: Likely benign. Last evaluated: 2025-09-01. Review status: criteria provided, single submitter. Criteria: CeGaT Center For Human Genetics Tuebingen Variant Classification Criteria Version 2. Collection method: clinical testing. Allele origin: germline. Affected: yes. Observed: 1 variant allele.
Comment: PKD1L1: BP4, BP7

NM_138295.5(PKD1L1):c.5661G>A (p.Thr1887=)

Gene: PKD1L1 (polycystin 1 like 1, transient receptor potential channel interacting; minus strand). Cytogenetic location: 7p12.3.
Variant type: single nucleotide variant.
Coding change: c.5661G>A on transcript NM_138295.5 (MANE Select); coding-DNA position 5661, G replaced by A.
Protein change: p.Thr1887=; no amino-acid change (threonine 1887 retained).
Molecular consequence: synonymous variant.
Genome position (GRCh38, 1-based): chr7:47,839,554, C>T on the plus strand (G>A on the coding strand, the complement: PKD1L1 is on the minus strand). VCF-style: chr7-47839554-C-T. GRCh37 (hg19) VCF-style: chr7-47879152-C-T.
Identifiers: ClinVar variation 4281037 (VCV004281037.7).